The following is an entry in ClinVar:

NM_001042750.2(STAG2):c.1266G>T (p.Arg422=)

Gene: STAG2 (STAG2 cohesin complex component; plus strand). Cytogenetic location: Xq25.
Variant type: single nucleotide variant.
Coding change: c.1266G>T on transcript NM_001042750.2 (MANE Select); coding-DNA position 1266, G replaced by T.
Protein change: p.Arg422=; no amino-acid change (arginine 422 retained).
Molecular consequence: synonymous variant.
Genome position (GRCh38, 1-based): chrX:124,056,197, G>T. VCF-style: chrX-124056197-G-T. GRCh37 (hg19) VCF-style: chrX-123190047-G-T.
Other names: NC_000023.10:g.123190047G>T; c.1266G>T, p.Arg422= (NM_001042749.2, NM_001042751.2, NM_001282418.2 and 13 more transcripts).
Identifiers: ClinVar variation 3054459 (VCV003054459.3), dbSNP rs2058190016, ClinGen allele CA518177421.

ClinVar aggregate classification (germline): Likely benign (0 of 4 stars; one submission).

Conditions:
STAG2-related disorder. Also called: STAG2-Related Disorders.

Submissions (2):

PreventionGenetics, part of Exact Sciences
Classification: Likely benign for STAG2-related condition. Last evaluated: 2024-01-05. Review status: no assertion criteria provided. Collection method: clinical testing. Allele origin: germline.
Comment: This variant is classified as likely benign based on ACMG/AMP sequence variant interpretation guidelines (Richards et al. 2015 PMID: 25741868, with internal and published modifications).

Dr. Peter K. Rogan Lab, Western University
No classification provided (evidence only). Condition: Thyroid cancer, nonmedullary, 1. Review status: no classification provided. Collection method: in vitro. Allele origin: not applicable. Functional consequence: retained intron. Not counted in ClinVar's aggregate classification.